The following is an entry in ClinVar:

ClinVar aggregate classification (germline): Pathogenic. Review status: reviewed by expert panel (3 of 4 stars). 10 submissions from 10 submitters: Pathogenic (1). 9 of the submissions do not count toward it. Last evaluated 2022-04-10.

Conditions:
Maturity-onset diabetes of the young type 3. Also called: MODY type 3; MODY, type III. Identifiers: Orphanet 552, MedGen C1838100, MeSH C563933, MONDO:0010894, OMIM 600496. Disease mechanism: loss of function.
Diabetes mellitus. Also called: Diabetes mellitus (disease). Identifiers: MedGen C0011849, MONDO:0005015, HP:0000819.
Maturity-onset diabetes of the young (MODY). Also called: Maturity onset diabetes mellitus in young. Identifiers: Orphanet 552, MedGen C0342276, MONDO:0018911, HP:0004904.
HNF1A-related disorder. Also called: HNF1A-related condition.
Monogenic diabetes. Identifiers: Orphanet 183625, MedGen C3888631, MONDO:0015967.

Allele frequency attached by ClinVar (database versions not stated): gnomAD exomes below 0.00001; gnomAD 0.00001.
gnomAD v4.1: 4 of 1,614,038 alleles (0.00025%); highest among the groups gnomAD compares: Admixed American, 0.0033%; no homozygotes.

Submissions (10):

ClinGen Monogenic Diabetes Variant Curation Expert Panel
Classification: Pathogenic for Monogenic diabetes. Last evaluated: 2022-04-10. Review status: reviewed by expert panel. Criteria: ClinGen Diabetes ACMG Specifications v1 1. Collection method: curation. Allele origin: germline. Inheritance: Autosomal dominant inheritance.
Comment: The c.599G>A variant in the HNF1 homeobox A gene, HNF1A, causes an amino acid change of arginine to glutamine at codon 200 (p.(Arg200Gln)) of transcript, e.g. NM_000545.8. This variant segregated with diabetes, with 11 informative meioses in six families with MODY (PP1_Strong; internal lab contributors). Additionally, this variant is predicted to be deleterious by computational evidence, with a REVEL score of 0.926, which is greater than the MDEP VCEP threshold of 0.70 (PP3) and is absent from gnomAD v2.1.1 (PM2_Supporting). This variant was identified in nine unrelated individuals with non- autoimmune and non-absolute/near-absolute insulin-deficient diabetes (PS4; PMID: 23517481; internal lab contributors). Functional studies demonstrated the p.Arg200Gln protein has transactivation 40% of wildtype, indicating that this variant impacts protein function (PS3_Supporting, PMID: 15522234). Lastly, this variant was identified in at least three individuals from one family with a clinical history highly specific for HNF1A-MODY (MODY probability calculator result >50%, negative genetic testing for HNF4A, and negative antibodies) (PP4_Moderate; internal lab contributors). In summary, c.599G>A meets the criteria to be classified as pathogenic for monogenic diabetes. ACMG/AMP criteria applied, as specified by the ClinGen MDEP (specification version 1.1, approved 9/30/2021): PP1_Strong, PP3, PM2_Supporting, PS3_Supporting, PS4, PP4_Moderate.

GeneDx
Classification: Likely pathogenic. Last evaluated: 2024-08-30. Review status: criteria provided, single submitter. Criteria: GeneDx Variant Classification Process June 2021. Collection method: clinical testing. Allele origin: germline. Affected: yes. Not counted in ClinVar's aggregate classification.
Comment: Not observed at significant frequency in large population cohorts (gnomAD); In silico analysis, which includes protein predictors and evolutionary conservation, supports a deleterious effect; This variant is associated with the following publications: (PMID: 9472859, 24069322, 30663027, 23517481, 12453420, 21224407, 18003757, 11058894, 26059258, 26479152, 32741144, 15841481, 35112188, 34789499, 36257325, 22808921, 33538814, 15522234)

Labcorp Genetics (formerly Invitae), Labcorp
Classification: Pathogenic. Last evaluated: 2023-09-12. Review status: criteria provided, single submitter. Criteria: Invitae Variant Classification Sherloc (09022015). Collection method: clinical testing. Allele origin: germline. Not counted in ClinVar's aggregate classification.
Comment: For these reasons, this variant has been classified as Pathogenic. This variant disrupts the p.Arg200 amino acid residue in HNF1A. Other variant(s) that disrupt this residue have been observed in individuals with HNF1A-related conditions (PMID: 9754819, 12627330), which suggests that this may be a clinically significant amino acid residue. Experimental studies have shown that this missense change affects HNF1A function (PMID: 15522234, 16274290). Advanced modeling of protein sequence and biophysical properties (such as structural, functional, and spatial information, amino acid conservation, physicochemical variation, residue mobility, and thermodynamic stability) has been performed at Invitae for this missense variant, however the output from this modeling did not meet the statistical confidence thresholds required to predict the impact of this variant on HNF1A protein function. ClinVar contains an entry for this variant (Variation ID: 381588). This missense change has been observed in individuals with clinical features of maturity onset diabetes of the young (PMID: 12488961, 15841481, 25935773, 30663027, 33538814; Invitae). This variant is present in population databases (no rsID available, gnomAD 0.003%). This sequence change replaces arginine, which is basic and polar, with glutamine, which is neutral and polar, at codon 200 of the HNF1A protein (p.Arg200Gln).

Victorian Clinical Genetics Services, Murdoch Childrens Research Institute
Classification: Pathogenic for Maturity-onset diabetes of the young type 3. Last evaluated: 2023-07-17. Review status: criteria provided, single submitter. Criteria: ACMG Guidelines, 2015. Collection method: clinical testing. Allele origin: germline. Inheritance: Autosomal dominant inheritance. Affected: yes. Not counted in ClinVar's aggregate classification.
Comment: Based on the classification scheme VCGS_Germline_v1.3.4, this variant is classified as Pathogenic. Following criteria are met: 0102 - Loss of function is a known mechanism of disease in this gene and is associated with maturity-onset diabetes of the young type III (MODY type III; MIM#600496) (I) 0107 - This gene is associated with autosomal dominant disease. (I) 0200 - Variant is predicted to result in a missense amino acid change from arginine to glutamine. (I) 0251 - This variant is heterozygous. (I) 0302 - Variant is present in gnomAD (v2 & v3) <0.001 for a dominant condition (2 heterozygotes, 0 homozygotes). (SP) 0501 - Missense variant consistently predicted to be damaging by multiple in silico tools or highly conserved with a major amino acid change. (SP) 0604 - Variant is not located in an established domain, motif, hotspot or informative constraint region. (I) 0703 - Another missense variant comparable to the one identified in this case has moderate previous evidence for pathogenicity. p.(Arg200Trp) has been classified as pathogenic by an expert panel in ClinVar. (SP) 0801 - This variant has strong previous evidence of pathogenicity in unrelated individuals. This variant has been classified as pathogenic by an expert panel in ClinVar.

Centre for Inherited Metabolic Diseases, Karolinska University Hospital
Classification: Pathogenic for Maturity-onset diabetes of the young type 3. Last evaluated: 2022-12-07. Review status: criteria provided, single submitter. Criteria: ACMG Guidelines, 2015. Collection method: clinical testing. Allele origin: germline. Inheritance: Autosomal dominant inheritance. Affected: yes. Observed: 1 heterozygote. Not counted in ClinVar's aggregate classification.

Athena Diagnostics
Classification: Pathogenic. Last evaluated: 2022-09-21. Review status: criteria provided, single submitter. Criteria: Athena Diagnostics Criteria. Collection method: clinical testing. Allele origin: unknown. Not counted in ClinVar's aggregate classification.
Comment: The frequency of this variant in the general population is consistent with pathogenicity. This variant is statistically more frequent in affected individuals than in the general population and/or healthy controls. At least one other missense variant at this codon is considered to be pathogenic or likely pathogenic, suggesting this variant may also cause disease. Assessment of experimental evidence suggests this variant results in abnormal protein function. Studies show this variant causes decreased transcriptional activity and abnormal localization within the cell (PMID: 15522234, 12453420). The variant is located in a region that is considered important for protein function and/or structure.

Ambry Genetics
Classification: Likely pathogenic for Maturity-onset diabetes of the young. Last evaluated: 2020-09-03. Review status: criteria provided, single submitter. Criteria: Ambry Variant Classification Scheme 2023. Collection method: clinical testing. Allele origin: germline. Not counted in ClinVar's aggregate classification.
Comment: The p.R200Q variant (also known as c.599G>A), located in coding exon 3 of the HNF1A gene, results from a G to A substitution at nucleotide position 599. The arginine at codon 200 is replaced by glutamine, an amino acid with highly similar properties. This variant has been identified in several individuals with maturity-onset diabetes of the young phenotype (Toaima D et al. Hum. Mutat., 2005 May;25:503-4; Chambers C et al. Pediatr Diabetes, 2016 08;17:360-7; Tatsi EB et al. Pediatr Diabetes, 2020 02;21:28-39). Localization studies of protein with this variant in HeLa cells demonstrated fewer cells with nuclear localization only compared to wild type (Bj&oslash;rkhaug L et al. DNA Cell Biol., 2005 Nov;24:661-9). This allele was reported in one heterozygous individual in population-based cohorts in the Genome Aggregation Database (gnomAD). In addition, this alteration is predicted to be deleterious by in silico analysis. Based on the majority of available evidence to date, this variant is likely to be pathogenic.

Clinical Genomics, Uppaluri K&H Personalized Medicine Clinic
Classification: Pathogenic for Maturity-onset diabetes of the young. Review status: criteria provided, single submitter. Criteria: K & H Uppaluri Personalized Medicine Clinic Variant Classification & Assertion Criteria_Updated V.1. Collection method: research. Allele origin: unknown. Inheritance: Autosomal dominant inheritance. Not counted in ClinVar's aggregate classification.
Comment: Mutations in HNF1A gene can predispose to MODY3. It is associated with both micro and macrovascular complications of diabetes, especially cardiovascular complications. Associated with glucosuria. May respond well to sulfonylureas. Sufficient evidence is found to confer the association of this particular variant rs893256143 with MODY3.

PreventionGenetics, part of Exact Sciences
Classification: Pathogenic for HNF1A-related condition. Last evaluated: 2024-07-26. Review status: no assertion criteria provided. Collection method: clinical testing. Allele origin: germline. Not counted in ClinVar's aggregate classification.
Comment: The HNF1A c.599G>A variant is predicted to result in the amino acid substitution p.Arg200Gln. This variant has been reported in multiple individuals with maturity-onset diabetes of the young (see for example, Figure 2, Awa et al. 2011. PubMed ID: 21224407; Table 1, Bacon et al. 2015. PubMed ID: 26479152; Table 1, Chambers et al. 2015. PubMed ID: 26059258; Table 1, Liang et al. 2020. PubMed ID: 32741144). This variant is reported in 0.0029% of alleles in individuals of Latino descent in gnomAD. In vitro experimental studies suggest this variant affects protein localization and results in reduced transactivation activity (Table 2, Chi et al. 2002. PubMed ID: 12453420; Figure 2, Gu et al. 2004. PubMed ID: 15522234; Table 1, Bjørkhaug et al. 2005. PubMed ID: 16274290). Alternate nucleotide substitutions affecting the same amino acid (p.Arg200Gly and p.Arg200Trp) have been reported in individuals with maturity-onset diabetes of the young (Table 1, Pruhova et al. 2003. PubMed ID: 12627330; Table 2, Chèvre et al. 1998. PubMed ID: 9754819). This variant is interpreted as pathogenic.

Constantin Polychronakos Laboratory, The Research Institute of the McGill University Health Centre
Classification: Pathogenic for Diabetes mellitus. Review status: no assertion criteria provided. Collection method: research. Allele origin: maternal, germline. Inheritance: Autosomal dominant inheritance. Affected: yes. Study: T1DGC. Not counted in ClinVar's aggregate classification.
Comment: PS1 PM2 PM5 PP3 PP5

Literature cited by the submitters: PubMed 9754819 (cited by Labcorp Genetics (formerly Invitae), Labcorp); PubMed 12627330 (cited by Labcorp Genetics (formerly Invitae), Labcorp); PubMed 15522234 (cited by Labcorp Genetics (formerly Invitae), Labcorp and Athena Diagnostics); PubMed 16274290 (cited by 3 submitters); PubMed 12488961 (cited by Labcorp Genetics (formerly Invitae), Labcorp and Athena Diagnostics); PubMed 15841481 (cited by 3 submitters); PubMed 25935773 (cited by Labcorp Genetics (formerly Invitae), Labcorp and Athena Diagnostics); PubMed 30663027 (cited by 3 submitters); PubMed 33538814 (cited by Labcorp Genetics (formerly Invitae), Labcorp); PubMed 26110317 (cited by Athena Diagnostics); PubMed 25555642 (cited by Athena Diagnostics); PubMed 12453420 (cited by Athena Diagnostics); PubMed 21224407 (cited by Athena Diagnostics); PubMed 18003757 (cited by Athena Diagnostics); PubMed 26059258 (cited by Ambry Genetics); PubMed 31604004 (cited by Ambry Genetics); PubMed 34440499 (cited by Clinical Genomics, Uppaluri K&H Personalized Medicine Clinic); PubMed 32741144 (cited by Clinical Genomics, Uppaluri K&H Personalized Medicine Clinic).

NM_000545.8(HNF1A):c.599G>A (p.Arg200Gln)

Gene: HNF1A (HNF1 homeobox A; plus strand). Cytogenetic location: 12q24.31.
Variant type: single nucleotide variant.
Coding change: c.599G>A on transcript NM_000545.8 (MANE Select); coding-DNA position 599, G replaced by A.
Protein change: p.Arg200Gln; replaces arginine 200 with glutamine.
Molecular consequence: missense variant.
Genome position (GRCh38, 1-based): chr12:120,993,592, G>A. VCF-style: chr12-120993592-G-A. GRCh37 (hg19) VCF-style: chr12-121431395-G-A.
Other names: NM_000545.8(HNF1A):c.599G>A; p.Arg200Gln; c.599G>A, p.Arg200Gln (NM_001306179.2); short protein forms R200Q.
Identifiers: ClinVar variation 381588 (VCV000381588.26), dbSNP rs893256143, ClinGen allele CA16606474.